The following is an entry in ClinVar:

NM_000540.3(RYR1):c.8313C>A (p.Ile2771=)

Genes: RYR1 (ryanodine receptor 1; plus strand), LOC126862902 (BRD4-independent group 4 enhancer GRCh37_chr19:38995830-38997029; plus strand). Cytogenetic location: 19q13.2.
Variant type: single nucleotide variant.
Coding change: c.8313C>A on transcript NM_000540.3 (MANE Select); coding-DNA position 8313, C replaced by A.
Protein change: p.Ile2771=; no amino-acid change (isoleucine 2771 retained).
Molecular consequence: synonymous variant.
Genome position (GRCh38, 1-based): chr19:38,505,311, C>A. VCF-style: chr19-38505311-C-A. GRCh37 (hg19) VCF-style: chr19-38995951-C-A.
Other names: c.8313C>A, p.Ile2771= (NM_001042723.2).
Identifiers: ClinVar variation 256573 (VCV000256573.5), dbSNP rs886038343, ClinGen allele CA10587322.

ClinVar aggregate classification (germline): Likely benign. Review status: criteria provided, multiple submitters, no conflicts (2 of 4 stars). 3 submissions from 3 submitters: Likely benign (3). Last evaluated 2023-10-06.

Conditions:
Malignant hyperthermia, susceptibility to, 1 (MHS1). Also called: RYR1-Related Malignant Hyperthermia Susceptibility; Anesthesia related hyperthermia; Malignant hyperpyrexia; Fulminating hyperpyrexia; Pharmacogenic myopathy; Malignant hyperthermia suceptibility 1. Identifiers: Orphanet 423, MedGen C2930980, MONDO:0007783, OMIM 145600.

Allele frequency attached by ClinVar (database versions not stated): gnomAD exomes below 0.00001; TOPMed below 0.00001.
gnomAD v4.1: 1 of 1,608,990 alleles (0.000062%); highest among the groups gnomAD compares: Non-Finnish European, 0.000085%; no homozygotes.

Submissions (3):

All of Us Research Program, National Institutes of Health
Classification: Likely benign for Malignant hyperthermia, susceptibility to, 1. Last evaluated: 2023-10-06. Review status: criteria provided, single submitter. Criteria: ACMG Guidelines, 2015. Collection method: clinical testing. Allele origin: germline. Inheritance: Autosomal dominant inheritance. Observed: 1 variant allele, 1 heterozygote.
Comment: This study involves interpretation of variants in research participants for the purpose of population health screening. Participant phenotype was not available at the time of variant classification. Additional details can be found in publication PMID: 35346344, PMCID: PMC8962531

Color Diagnostics, LLC DBA Color Health
Classification: Likely benign for Malignant hyperthermia, susceptibility to, 1. Last evaluated: 2023-10-05. Review status: criteria provided, single submitter. Criteria: ACMG Guidelines, 2015. Collection method: clinical testing. Allele origin: germline.

PreventionGenetics, part of Exact Sciences
Classification: Likely benign. Review status: criteria provided, single submitter. Criteria: ACMG Guidelines, 2015. Collection method: clinical testing. Allele origin: germline.